The following is an entry in ClinVar:

ClinVar aggregate classification (germline): Uncertain significance (1 of 4 stars; one submission).

Submission:

Women's Health and Genetics/Laboratory Corporation of America, LabCorp
Classification: Uncertain significance. Last evaluated: 2025-12-23. Review status: criteria provided, single submitter. Criteria: LabCorp Variant Classification Summary - May 2015. Collection method: clinical testing. Allele origin: germline.
Comment: Variant summary: LSM11 c.14_19dupAGCGGG (p.Glu5_Arg6dup) results in an in-frame duplication that is predicted to duplicate 2 amino acids into the encoded protein. The variant allele was found at a frequency of 3e-05 in 33636 control chromosomes (gnomAD). The available data on variant occurrences in the general population are insufficient to allow any conclusion about variant significance. To our knowledge, no occurrence of c.14_19dupAGCGGG in individuals affected with LSM11-related conditions and no experimental evidence demonstrating its impact on protein function have been reported. No submitters have cited clinical-significance assessments for this variant to ClinVar. Based on the evidence outlined above, the variant was classified as uncertain significance.

NM_173491.4(LSM11):c.8AGCGGG[3] (p.Arg6_Gly7insGluArg)

Genes: LSM11 (LSM11, U7 small nuclear RNA associated; plus strand), LOC129995145 (ATAC-STARR-seq lymphoblastoid silent region 16563; plus strand). Cytogenetic location: 5q33.3.
Variant type: Microsatellite.
Coding change: c.8AGCGGG[3] on transcript NM_173491.4 (MANE Select); three copies in a row of the 6-base unit AGCGGG starting at c.8; the reference has two copies in a row; one copy, 6 bases duplicated.
Protein change: p.Arg6_Gly7insGluArg.
Molecular consequence: inframe insertion.
Genome position (GRCh38, 1-based): chr5:157,743,764-157,743,769, AGCGGG duplicated; duplicating any 6 consecutive bases within chr5:157,743,756-157,743,769 gives the same sequence; the position shown is the placement nearest the transcript's 3' end. VCF-style (leftmost placement, unchanged base first): chr5-157743755-A-AGGAGCG. GRCh37 (hg19) VCF-style: chr5-157170763-A-AGGAGCG.
Other names: c.14_19dupAGCGGG (NM_173491.4).
Identifiers: ClinVar variation 4688867 (VCV004688867.1).